The following is an entry in ClinVar:

NM_001626.6(AKT2):c.531C>T (p.Tyr177=)

Gene: AKT2 (AKT serine/threonine kinase 2; minus strand). Cytogenetic location: 19q13.2.
Variant type: single nucleotide variant.
Coding change: c.531C>T on transcript NM_001626.6 (MANE Select); coding-DNA position 531, C replaced by T.
Protein change: p.Tyr177=; no amino-acid change (tyrosine 177 retained).
Molecular consequence: synonymous variant.
Genome position (GRCh38, 1-based): chr19:40,241,980, G>A on the plus strand (C>T on the coding strand, the complement: AKT2 is on the minus strand). VCF-style: chr19-40241980-G-A. GRCh37 (hg19) VCF-style: chr19-40747887-G-A.
Other names: c.345C>T, p.Tyr115= (NM_001243027.3, NM_001243028.3); c.531C>T, p.Tyr177= (NM_001330511.1).
Identifiers: ClinVar variation 2649873 (VCV002649873.24), dbSNP rs1974436210, ClinGen allele CA507484137.

ClinVar aggregate classification (germline): Uncertain significance (1 of 4 stars; one submission).

Submission:

CeGaT Center for Human Genetics Tuebingen
Classification: Uncertain significance. Last evaluated: 2023-10-01. Review status: criteria provided, single submitter. Criteria: CeGaT Center For Human Genetics Tuebingen Variant Classification Criteria Version 2. Collection method: clinical testing. Allele origin: germline. Affected: yes. Observed: 1 variant allele.
Comment: AKT2: PM2:Supporting, BP4